The following is an entry in ClinVar:

ClinVar aggregate classification (germline): Likely benign. Review status: criteria provided, multiple submitters, no conflicts (2 of 4 stars). 2 submissions from 2 submitters: Likely benign (2). Last evaluated 2026-07-01.

gnomAD v4.1: 15 of 1,599,348 alleles (0.00094%); highest among the groups gnomAD compares: Non-Finnish European, 0.0012%; no homozygotes.

Submissions (2):

CeGaT Center for Human Genetics Tuebingen
Classification: Likely benign. Last evaluated: 2026-07-01. Review status: criteria provided, single submitter. Criteria: CeGaT Center For Human Genetics Tuebingen Variant Classification Criteria Version 2. Collection method: clinical testing. Allele origin: germline. Affected: yes. Observed: 3 variant alleles.
Comment: LPIN1: BP4, BP7

Labcorp Genetics (formerly Invitae), Labcorp
Classification: Likely benign. Last evaluated: 2025-01-22. Review status: criteria provided, single submitter. Criteria: Invitae Variant Classification Sherloc (09022015). Collection method: clinical testing. Allele origin: germline.

NM_001349206.2(LPIN1):c.564G>C (p.Ser188=)

Gene: LPIN1 (lipin 1; plus strand). Cytogenetic location: 2p25.1.
Variant type: single nucleotide variant.
Coding change: c.564G>C on transcript NM_001349206.2 (MANE Select); coding-DNA position 564, G replaced by C.
Protein change: p.Ser188=; no amino-acid change (serine 188 retained).
Molecular consequence: synonymous variant. On other transcripts: non-coding transcript variant (1).
Genome position (GRCh38, 1-based): chr2:11,771,647, G>C. VCF-style: chr2-11771647-G-C. GRCh37 (hg19) VCF-style: chr2-11911773-G-C.
Other names: c.582G>C, p.Ser194= (NM_001261427.3); c.711G>C, p.Ser237= (NM_001261428.3, NM_001349208.2); c.564G>C, p.Ser188= (NM_001349199.2, NM_001349200.2, NM_001349201.2 and 5 more transcripts); c.654G>C, p.Ser218= (NM_001349207.2).
Identifiers: ClinVar variation 1675767 (VCV001675767.35), dbSNP rs149765431, ClinGen allele CA1533454.